The following is an entry in ClinVar:

NM_006766.5(KAT6A):c.5287A>G (p.Ile1763Val)

Gene: KAT6A (lysine acetyltransferase 6A; minus strand). Cytogenetic location: 8p11.21.
Variant type: single nucleotide variant.
Coding change: c.5287A>G on transcript NM_006766.5 (MANE Select); coding-DNA position 5287, A replaced by G.
Protein change: p.Ile1763Val; replaces isoleucine 1763 with valine.
Molecular consequence: missense variant.
Genome position (GRCh38, 1-based): chr8:41,932,933, T>C on the plus strand (A>G on the coding strand, the complement: KAT6A is on the minus strand). VCF-style: chr8-41932933-T-C. GRCh37 (hg19) VCF-style: chr8-41790451-T-C.
Other names: short protein forms I1763V.
Identifiers: ClinVar variation 1693305 (VCV001693305.3), dbSNP rs1821630087, ClinGen allele CA371062880.
Genomic context (GRCh38, chr8:41,932,933, plus strand): 5'-TGGTTGCATAGGAAGTCACAGCAGGAGAATGGCTATAAGGCATGGCATGAGGGTCCATAA[T>C]GGTGTTGGTCAGCTGCTGCAGCTTGGCTAGGCTGAAGGTGGCTGATGGTTGAGAGTAGCT-3'
Protein context (NP_006757.2, residues 1753-1773): LAKLQQLTNT[Ile1763Val]MDPHAMPYSH

ClinVar aggregate classification (germline): Uncertain significance (1 of 4 stars; one submission).

Conditions:
Autosomal dominant intellectual disability-craniofacial anomalies-cardiac defects syndrome (ARTHS). Also called: Mental retardation, autosomal dominant 32; KAT6A syndrome; Arboleda-Tham syndrome. Identifiers: Orphanet 457193, MedGen C4225396, MONDO:0014558, OMIM 616268.

Submission:

Illumina Laboratory Services, Illumina
Classification: Uncertain significance for Autosomal dominant intellectual disability-craniofacial anomalies-cardiac defects syndrome. Last evaluated: 2022-03-03. Review status: criteria provided, single submitter. Criteria: ICSLVariantClassificationCriteria RUGD 01 April 2020. Collection method: clinical testing. Allele origin: unknown.
Comment: The KAT6A c.5287A>G (p.Ile1763Val) missense variant results in the substitution of isoleucine at amino acid position 1763 with valine. To our knowledge, this variant has not been reported in the peer-reviewed literature. This variant is not found in version 2.1.1 or version 3.1.2 of the Genome Aggregation Database. This variant was identified in a de novo state. Based on the available evidence, the c.5287A>G (p.Ile1763Val) variant is classified as a variant of uncertain significance for KAT6A syndrome.